The following is an entry in ClinVar:

NM_001276270.2(MBD4):c.1177T>A (p.Phe393Ile)

Gene: MBD4 (methyl-CpG binding domain 4, DNA glycosylase; minus strand). Cytogenetic location: 3q21.3.
Variant type: single nucleotide variant.
Coding change: c.1177T>A on transcript NM_001276270.2 (MANE Select); coding-DNA position 1177, T replaced by A.
Protein change: p.Phe393Ile; replaces phenylalanine 393 with isoleucine.
Molecular consequence: missense variant. On other transcripts: intron variant (1).
Genome position (GRCh38, 1-based): chr3:129,436,467, A>T on the plus strand (T>A on the coding strand, the complement: MBD4 is on the minus strand). VCF-style: chr3-129436467-A-T. GRCh37 (hg19) VCF-style: chr3-129155310-A-T.
Other names: c.1177T>A, p.Phe393Ile (NM_001276271.2, NM_001276272.2, NM_003925.3); c.247+1341T>A (NM_001276273.2); short protein forms F393I.
Identifiers: ClinVar variation 3685311 (VCV003685311.3).

ClinVar aggregate classification (germline): Uncertain significance. Review status: criteria provided, multiple submitters, no conflicts (2 of 4 stars). 2 submissions from 2 submitters: Uncertain significance (2). Last evaluated 2025-05-24.

Conditions:
Inborn genetic diseases. Identifiers: MedGen C0950123, MeSH D030342.

Submissions (2):

Ambry Genetics
Classification: Uncertain significance for Inborn genetic diseases. Last evaluated: 2025-05-24. Review status: criteria provided, single submitter. Criteria: Ambry Variant Classification Scheme 2023. Collection method: clinical testing. Allele origin: germline.
Comment: The p.F393I variant (also known as c.1177T>A), located in coding exon 3 of the MBD4 gene, results from a T to A substitution at nucleotide position 1177. The phenylalanine at codon 393 is replaced by isoleucine, an amino acid with highly similar properties. This amino acid position is conserved. In addition, this alteration is predicted to be tolerated by in silico analysis. Based on the available evidence, the clinical significance of this variant remains unclear.

Labcorp Genetics (formerly Invitae), Labcorp
Classification: Uncertain significance. Last evaluated: 2025-01-28. Review status: criteria provided, single submitter. Criteria: Invitae Variant Classification Sherloc (09022015). Collection method: clinical testing. Allele origin: germline.
Comment: This sequence change replaces phenylalanine, which is neutral and non-polar, with isoleucine, which is neutral and non-polar, at codon 393 of the MBD4 protein (p.Phe393Ile). This variant is present in population databases (rs188172372, gnomAD 0.006%). This variant has not been reported in the literature in individuals affected with MBD4-related conditions. An algorithm developed to predict the effect of missense changes on protein structure and function (PolyPhen-2) suggests that this variant is likely to be tolerated. In summary, the available evidence is currently insufficient to determine the role of this variant in disease. Therefore, it has been classified as a Variant of Uncertain Significance.